The following is an entry in ClinVar:

NM_000382.3(ALDH3A2):c.805del (p.Tyr269fs)

Gene: ALDH3A2 (aldehyde dehydrogenase 3 family member A2; plus strand). Cytogenetic location: 17p11.2.
Variant type: Deletion.
Coding change: c.805del on transcript NM_000382.3 (MANE Select); coding-DNA position 805, one base deleted (T; older notation c.805delT).
Protein change: p.Tyr269fs; shifts the reading frame from tyrosine 269.
Molecular consequence: frameshift variant.
Genome position (GRCh38, 1-based): chr17:19,661,133, T deleted; the last of 4 consecutive T bases (chr17:19,661,130-19,661,133); deleting any one gives the same sequence. VCF-style (leftmost placement, unchanged base first): chr17-19661129-AT-A. GRCh37 (hg19) VCF-style: chr17-19564442-AT-A.
Other names: c.805del, p.Tyr269fs (NM_001031806.2, NM_001369136.1, NM_001369137.2 and 3 more transcripts); c.226del, p.Tyr76fs (NM_001369148.2); short protein forms Y76fs, Y269fs.
Identifiers: ClinVar variation 1460470 (VCV001460470.6), dbSNP rs2152329943, ClinGen allele CA2573153152.
Genomic context (GRCh38, chr17:19,661,129, plus strand): 5'-TACTGAAATTGAATTGTGGGTCTTTGTGACATTTATATACTCCTGTTGTTTTAAATAGGA[AT>A]TTTATGGAGAAAATATAAAAGAGTCTCCTGATTATGAAAGGATCATCAATCTTCGTCATT-3'

ClinVar aggregate classification (germline): Pathogenic (1 of 4 stars; one submission).

Submission:

Labcorp Genetics (formerly Invitae), Labcorp
Classification: Pathogenic. Last evaluated: 2021-12-05. Review status: criteria provided, single submitter. Criteria: Invitae Variant Classification Sherloc (09022015). Collection method: clinical testing. Allele origin: germline.
Comment: This premature translational stop signal has been observed in individual(s) with Sjogren-Larsson syndrome (PMID: 21524986). For these reasons, this variant has been classified as Pathogenic. This variant is not present in population databases (gnomAD no frequency). This sequence change creates a premature translational stop signal (p.Tyr269Metfs*5) in the ALDH3A2 gene. It is expected to result in an absent or disrupted protein product. Loss-of-function variants in ALDH3A2 are known to be pathogenic (PMID: 10577908, 10854114).

Literature cited by the submitters: PubMed 21524986; PubMed 10577908; PubMed 10854114.